The following is an entry in ClinVar:

NM_002890.3(RASA1):c.1102+4C>T

Genes: CCNH (cyclin H; minus strand), RASA1 (RAS p21 protein activator 1; plus strand). Cytogenetic location: 5q14.3.
Variant type: single nucleotide variant.
Coding change: c.1102+4C>T on transcript NM_002890.3 (MANE Select); 4 bases into the intron after coding-DNA position 1102, C replaced by T.
Molecular consequence: intron variant.
Genome position (GRCh38, 1-based): chr5:87,346,728, C>T. VCF-style: chr5-87346728-C-T. GRCh37 (hg19) VCF-style: chr5-86642545-C-T.
Other names: c.571+4C>T (NM_022650.3); c.934-33933G>A (NM_001364075.2).
Identifiers: ClinVar variation 2975843 (VCV002975843.3), dbSNP rs944277207, ClinGen allele CA121788082.
Genomic context (GRCh38, chr5:87,346,728, plus strand): 5'-TAAGATGGTTCCATGGGAAGATTTCCAAACAGGAAGCTTATAATTTACTAATGACAGGTA[C>T]TTACATATTTACTTGCTTTTCTAATGTCTATTTAAAGAGAATAAAAAAGTGAACAAACCA-3'

ClinVar aggregate classification (germline): Uncertain significance (1 of 4 stars; one submission).

Conditions:
Capillary malformation-arteriovenous malformation syndrome. Also called: Capillary malformation-arteriovenous malformation. Identifiers: Orphanet 137667, MedGen C1842180, MONDO:0012016.

Allele frequency attached by ClinVar (database versions not stated): gnomAD exomes below 0.00001; TOPMed below 0.00001; gnomAD 0.00001.
gnomAD v4.1: 5 of 1,538,232 alleles (0.00033%); highest among the groups gnomAD compares: African/African-American, 0.0055%; no homozygotes.

Submission:

Labcorp Genetics (formerly Invitae), Labcorp
Classification: Uncertain significance for Capillary malformation-arteriovenous malformation syndrome. Last evaluated: 2023-02-06. Review status: criteria provided, single submitter. Criteria: Invitae Variant Classification Sherloc (09022015). Collection method: clinical testing. Allele origin: germline.
Comment: This sequence change falls in intron 7 of the RASA1 gene. It does not directly change the encoded amino acid sequence of the RASA1 protein. It affects a nucleotide within the consensus splice site. This variant is present in population databases (no rsID available, gnomAD 0.007%). This variant has not been reported in the literature in individuals affected with RASA1-related conditions. Variants that disrupt the consensus splice site are a relatively common cause of aberrant splicing (PMID: 17576681, 9536098). Algorithms developed to predict the effect of sequence changes on RNA splicing suggest that this variant is not likely to affect RNA splicing. In summary, the available evidence is currently insufficient to determine the role of this variant in disease. Therefore, it has been classified as a Variant of Uncertain Significance.

Literature cited by the submitters: PubMed 17576681; PubMed 9536098.